The following is an entry in ClinVar:

NM_181303.2(NLGN3):c.1158C>A (p.Asp386Glu)

Gene: NLGN3 (neuroligin 3; plus strand). Cytogenetic location: Xq13.1.
Variant type: single nucleotide variant.
Coding change: c.1158C>A on transcript NM_181303.2 (MANE Select); coding-DNA position 1158, C replaced by A.
Protein change: p.Asp386Glu; replaces aspartic acid 386 with glutamic acid.
Molecular consequence: missense variant.
Genome position (GRCh38, 1-based): chrX:71,167,255, C>A. VCF-style: chrX-71167255-C-A. GRCh37 (hg19) VCF-style: chrX-70387105-C-A.
Other names: c.1038C>A, p.Asp346Glu (NM_001166660.2); c.747C>A, p.Asp249Glu (NM_001321276.2, NM_001438298.1); c.807C>A, p.Asp269Glu (NM_001437941.1, NM_001438296.1); c.1098C>A, p.Asp366Glu (NM_018977.4); short protein forms D249E, D269E, D346E, D366E, D386E.
Identifiers: ClinVar variation 4686321 (VCV004686321.1).

ClinVar aggregate classification (germline): Uncertain significance (1 of 4 stars; one submission).

gnomAD v4.1: 1 of 1,211,670 alleles (0.000083%); highest among the groups gnomAD compares: Admixed American, 0.0022%; no homozygotes.

Submission:

GeneDx
Classification: Uncertain significance. Last evaluated: 2025-07-14. Review status: criteria provided, single submitter. Criteria: GeneDx Variant Classification Process June 2021. Collection method: clinical testing. Allele origin: germline. Affected: yes.
Comment: In silico analysis supports that this missense variant has a deleterious effect on protein structure/function; Has not been previously published as pathogenic or benign to our knowledge